The following is an entry in ClinVar:

NM_000492.4(CFTR):c.4188A>G (p.Thr1396=)

Gene: CFTR (CF transmembrane conductance regulator; plus strand). Cytogenetic location: 7q31.2.
Variant type: single nucleotide variant.
Coding change: c.4188A>G on transcript NM_000492.4 (MANE Select); coding-DNA position 4188, A replaced by G.
Protein change: p.Thr1396=; no amino-acid change (threonine 1396 retained).
Molecular consequence: synonymous variant.
Genome position (GRCh38, 1-based): chr7:117,665,510, A>G. VCF-style: chr7-117665510-A-G. GRCh37 (hg19) VCF-style: chr7-117305564-A-G.
Other names: c.4188A>G (NM_000492.3).
Identifiers: ClinVar variation 994278 (VCV000994278.10), dbSNP rs1322987429, ClinGen allele CA457230829.

ClinVar aggregate classification (germline): Conflicting classifications of pathogenicity. Review status: criteria provided, conflicting classifications (1 of 4 stars). 3 submissions from 3 submitters: Uncertain significance (1); Likely benign (1). 1 of the submissions does not count toward it. Last evaluated 2021-06-30.

Conditions:
CFTR-related disorder (CFTR-RD). Also called: CFTR-related disorders; CFTR-related condition. Identifiers: MedGen C5924204, MONDO:7770004.
Cystic fibrosis (CF). Also called: MUCOVISCIDOSIS. Identifiers: Orphanet 586, MedGen C0010674, MONDO:0009061, OMIM 219700. Disease mechanism: loss of function.

Allele frequency attached by ClinVar (database versions not stated): gnomAD exomes 0.00001 and below 0.00001.
gnomAD v4.1: 18 of 1,613,514 alleles (0.0011%); highest among the groups gnomAD compares: Non-Finnish European, 0.0015%; no homozygotes.

Submissions (3):

Ambry Genetics
Classification: Likely benign for Cystic fibrosis. Last evaluated: 2021-06-30. Review status: criteria provided, single submitter. Criteria: Ambry Variant Classification Scheme 2023. Collection method: clinical testing. Allele origin: germline.

ARUP Laboratories, Molecular Genetics and Genomics, ARUP Laboratories
Classification: Uncertain significance. Last evaluated: 2020-02-21. Review status: criteria provided, single submitter. Criteria: ARUP Molecular Germline Variant Investigation Process. Collection method: clinical testing. Allele origin: germline.
Comment: The CFTR c.4188A>G; p.Thr1396Thr variant (rs1322987429), to our knowledge, is not reported in the medical literature but is reported in the CFTR-France database (see link). This variant is only observed on one allele in the Genome Aggregation Database, indicating it is not a common polymorphism. This is a synonymous variant in a weakly conserved nucleotide, but computational analyses (Alamut v.2.11) predict that this variant may impact splicing by creating a novel cryptic donor splice site. However, without functional studies, the effect on splicing is unknown. Given the lack of clinical and functional data, the significance of the p.Thr1396Thr variant is uncertain at this time. References: Link to CFTR-France database

Natera, Inc.
Classification: Uncertain significance for CFTR-related disorders. Last evaluated: 2019-11-26. Review status: no assertion criteria provided. Collection method: clinical testing. Allele origin: germline. Not counted in ClinVar's aggregate classification.